The following is an entry in ClinVar:

NM_020884.7(MYH7B):c.3203T>A (p.Leu1068Gln)

Gene: MYH7B (myosin heavy chain 7B; plus strand). Cytogenetic location: 20q11.22.
Variant type: single nucleotide variant.
Coding change: c.3203T>A on transcript NM_020884.7 (MANE Select); coding-DNA position 3203, T replaced by A.
Protein change: p.Leu1068Gln; replaces leucine 1068 with glutamine.
Molecular consequence: missense variant.
Genome position (GRCh38, 1-based): chr20:34,996,695, T>A. VCF-style: chr20-34996695-T-A. GRCh37 (hg19) VCF-style: chr20-33584498-T-A.
Other names: short protein forms L1068Q.
Identifiers: ClinVar variation 3642118 (VCV003642118.2).
Genomic context (GRCh38, chr20:34,996,695, plus strand): 5'-AGAAGAAGCTGCGCATGGACACGGAGCGGGCCAAGCGCAAGCTGGAGGGTGACCTGAAGC[T>A]GACGCAGGAGTCGGTGGCTGATGCTGCTCAAGACAAGCAGCAGCTGGAGGAGAAGCTCAA-3'
Protein context (NP_065935.4, residues 1058-1078): AKRKLEGDLK[Leu1068Gln]TQESVADAAQ

ClinVar aggregate classification (germline): Uncertain significance (1 of 4 stars; one submission).

Submission:

Labcorp Genetics (formerly Invitae), Labcorp
Classification: Uncertain significance. Last evaluated: 2024-03-18. Review status: criteria provided, single submitter. Criteria: Invitae Variant Classification Sherloc (09022015). Collection method: clinical testing. Allele origin: germline.
Comment: This sequence change replaces leucine, which is neutral and non-polar, with glutamine, which is neutral and polar, at codon 1110 of the MYH7B protein (p.Leu1110Gln). This variant is not present in population databases (gnomAD no frequency). This variant has not been reported in the literature in individuals affected with MYH7B-related conditions. Advanced modeling of protein sequence and biophysical properties (such as structural, functional, and spatial information, amino acid conservation, physicochemical variation, residue mobility, and thermodynamic stability) performed at Invitae indicates that this missense variant is not expected to disrupt MYH7B protein function with a negative predictive value of 80%. In summary, the available evidence is currently insufficient to determine the role of this variant in disease. Therefore, it has been classified as a Variant of Uncertain Significance.